The following is an entry in ClinVar:

ClinVar aggregate classification (germline): Pathogenic (1 of 4 stars; one submission).

Submission:

CeGaT Center for Human Genetics Tuebingen
Classification: Pathogenic. Last evaluated: 2022-07-01. Review status: criteria provided, single submitter. Criteria: CeGaT Center For Human Genetics Tuebingen Variant Classification Criteria Version 2. Collection method: clinical testing. Allele origin: germline. Affected: yes. Observed: 1 variant allele.
Comment: CPLANE1: PVS1, PM2, PM3

NM_001384732.1(CPLANE1):c.3030_3033del (p.Phe1010fs)

Gene: CPLANE1 (ciliogenesis and planar polarity effector complex subunit 1; minus strand). Cytogenetic location: 5p13.2.
Variant type: Microsatellite.
Coding change: c.3030_3033del on transcript NM_001384732.1 (MANE Select); coding-DNA positions 3030 to 3033, 4 bases deleted (TATT; older notation c.3030_3033delTATT).
Protein change: p.Phe1010fs; shifts the reading frame from phenylalanine 1010.
Molecular consequence: frameshift variant.
Genome position (GRCh38, 1-based): chr5:37,206,313-37,206,316, AATA deleted on the plus strand (TATT on the coding strand, the reverse complement: CPLANE1 is on the minus strand); deleting any 4 consecutive bases within chr5:37,206,313-37,206,320 gives the same sequence; the c. name uses the placement nearest the transcript's 3' end. VCF-style (leftmost placement, unchanged base first): chr5-37206312-CAATA-C. GRCh37 (hg19) VCF-style: chr5-37206414-CAATA-C.
Other names: c.3030_3033del, p.Phe1010fs (NM_023073.4); short protein forms F1010fs.
Identifiers: ClinVar variation 1701476 (VCV001701476.31), dbSNP rs2150128983, ClinGen allele CA2580613556.
Genomic context (GRCh38, chr5:37,206,312, plus strand): 5'-CAGACGTCTTCCAGTCTCCAAGTTTATATGCCAACCACACAGCCTCTGGAACCAGGCCAC[CAATA>C]AATAGTAATTCAAGTGCATATTCAACTGTCCACACATTAGAGAGATTCTGATCTCTAACA-3'